The following is an entry in ClinVar:

ClinVar aggregate classification (germline): Uncertain significance. Review status: criteria provided, multiple submitters, no conflicts (2 of 4 stars). 3 submissions from 3 submitters: Uncertain significance (3). Last evaluated 2024-02-22.

Conditions:
Cardiac arrhythmia, ankyrin-B-related. Also called: ANKYRIN-B SYNDROME. Identifiers: Orphanet 101016, Orphanet 768, MedGen C1970119, MONDO:0010958, OMIM 600919.
Long QT syndrome (LQTS). Identifiers: MedGen C0023976, MeSH D008133, MONDO:0002442. Disease mechanism: loss of function. Inheritance: Various modes of inheritance.
Cardiovascular phenotype. Identifiers: MedGen CN230736.

Allele frequency attached by ClinVar (database versions not stated): gnomAD exomes below 0.00001; TOPMed 0.00001.
gnomAD v4.1: 1 of 1,614,194 alleles (0.000062%); highest among the groups gnomAD compares: Admixed American, 0.0017%; no homozygotes.

Submissions (3):

Ambry Genetics
Classification: Uncertain significance for Cardiovascular phenotype. Last evaluated: 2024-02-22. Review status: criteria provided, single submitter. Criteria: Ambry Variant Classification Scheme 2023. Collection method: clinical testing. Allele origin: germline.
Comment: The p.E3885D variant (also known as c.11655A>C), located in coding exon 44 of the ANK2 gene, results from an A to C substitution at nucleotide position 11655. The glutamic acid at codon 3885 is replaced by aspartic acid, an amino acid with highly similar properties. This amino acid position is conserved. In addition, this alteration is predicted to be deleterious by in silico analysis. Based on the available evidence, the clinical significance of this alteration remains unclear.

Fulgent Genetics
Classification: Uncertain significance for Cardiac arrhythmia, ankyrin-B-related. Last evaluated: 2021-11-20. Review status: criteria provided, single submitter. Criteria: ACMG Guidelines, 2015. Collection method: clinical testing. Allele origin: unknown.

Labcorp Genetics (formerly Invitae), Labcorp
Classification: Uncertain significance for Long QT syndrome. Last evaluated: 2019-03-06. Review status: criteria provided, single submitter. Criteria: Invitae Variant Classification Sherloc (09022015). Collection method: clinical testing. Allele origin: germline.
Comment: This variant has not been reported in the literature in individuals with ANK2-related conditions. In summary, the available evidence is currently insufficient to determine the role of this variant in disease. Therefore, it has been classified as a Variant of Uncertain Significance. Algorithms developed to predict the effect of missense changes on protein structure and function are either unavailable or do not agree on the potential impact of this missense change (SIFT: "Tolerated"; PolyPhen-2: "Probably Damaging"; Align-GVGD: "Class C0"). This variant is not present in population databases (ExAC no frequency). This sequence change replaces glutamic acid with aspartic acid at codon 3885 of the ANK2 protein (p.Glu3885Asp). The glutamic acid residue is highly conserved and there is a small physicochemical difference between glutamic acid and aspartic acid.

NM_001148.6(ANK2):c.11655A>C (p.Glu3885Asp)

Gene: ANK2 (ankyrin 2; plus strand). Cytogenetic location: 4q26.
Variant type: single nucleotide variant.
Coding change: c.11655A>C on transcript NM_001148.6 (MANE Select); coding-DNA position 11655, A replaced by C.
Protein change: p.Glu3885Asp; replaces glutamic acid 3885 with aspartic acid.
Molecular consequence: missense variant. On other transcripts: intron variant (1).
Genome position (GRCh38, 1-based): chr4:113,373,134, A>C. VCF-style: chr4-113373134-A-C. GRCh37 (hg19) VCF-style: chr4-114294290-A-C.
Other names: c.5373A>C, p.Glu1791Asp (NM_001127493.3); c.5412A>C, p.Glu1804Asp (NM_001354225.2); c.5394A>C, p.Glu1798Asp (NM_001354228.2); c.5379A>C, p.Glu1793Asp (NM_001354230.2); c.5535A>C, p.Glu1845Asp (NM_001354231.2); c.5529A>C, p.Glu1843Asp (NM_001354232.2); c.5490A>C, p.Glu1830Asp (NM_001354235.2); c.5298A>C, p.Glu1766Asp (NM_001354236.2); and 44 more; short protein forms E1745D, E1753D, E1757D, E1791D, E1798D, E1804D, E1810D, E1821D.
Identifiers: ClinVar variation 846178 (VCV000846178.8), dbSNP rs1198488694, ClinGen allele CA357943412.